The following is an entry in ClinVar:

NM_006514.4(SCN10A):c.4777A>T (p.Ile1593Phe)

Gene: SCN10A (sodium voltage-gated channel alpha subunit 10; minus strand). Cytogenetic location: 3p22.2.
Variant type: single nucleotide variant.
Coding change: c.4777A>T on transcript NM_006514.4 (MANE Select); coding-DNA position 4777, A replaced by T.
Protein change: p.Ile1593Phe; replaces isoleucine 1593 with phenylalanine.
Molecular consequence: missense variant.
Genome position (GRCh38, 1-based): chr3:38,698,443, T>A on the plus strand (A>T on the coding strand, the complement: SCN10A is on the minus strand). VCF-style: chr3-38698443-T-A. GRCh37 (hg19) VCF-style: chr3-38739934-T-A.
Other names: c.4774A>T, p.Ile1592Phe (NM_001293306.2); c.4483A>T, p.Ile1495Phe (NM_001293307.2); c.4777A>T (NM_006514.2); short protein forms I1593F, I1495F, I1592F.
Identifiers: ClinVar variation 532077 (VCV000532077.11), dbSNP rs762600386, ClinGen allele CA2319810.

ClinVar aggregate classification (germline): Uncertain significance. Review status: criteria provided, multiple submitters, no conflicts (2 of 4 stars). 3 submissions from 3 submitters: Uncertain significance (3). Last evaluated 2025-12-15.

Conditions:
Brugada syndrome 1 (BRGDA1). Also called: RIGHT BUNDLE BRANCH BLOCK, ST SEGMENT ELEVATION, AND SUDDEN DEATH SYNDROME. Identifiers: Orphanet 130, MedGen C4551804, MONDO:0011001, OMIM 601144.
Brugada syndrome. Also called: Sudden unexpected nocturnal death syndrome; Sudden unexplained nocturnal death syndrome; Sudden Unexplained Death Syndrome; Sudden Unexplained Nocturnal Death Syndrome (SUNDS). Identifiers: Orphanet 130, MedGen C1142166, MONDO:0015263.
Cardiovascular phenotype. Identifiers: MedGen CN230736.

Allele frequency attached by ClinVar (database versions not stated): gnomAD exomes 0.00001 and 0.00003; ExAC 0.00003; gnomAD 0.00005; TOPMed 0.00005.
gnomAD v4.1: 29 of 1,613,984 alleles (0.0018%); highest among the groups gnomAD compares: Non-Finnish European, 0.0016%; no homozygotes.

Submissions (3):

Labcorp Genetics (formerly Invitae), Labcorp
Classification: Uncertain significance for Brugada syndrome. Last evaluated: 2025-12-15. Review status: criteria provided, single submitter. Criteria: Invitae Variant Classification Sherloc (09022015). Collection method: clinical testing. Allele origin: germline.
Comment: This sequence change replaces isoleucine, which is neutral and non-polar, with phenylalanine, which is neutral and non-polar, at codon 1593 of the SCN10A protein (p.Ile1593Phe). This variant is present in population databases (rs762600386, gnomAD 0.03%). This variant has not been reported in the literature in individuals affected with SCN10A-related conditions. ClinVar contains an entry for this variant (Variation ID: 532077). Invitae Evidence Modeling of protein sequence and biophysical properties (such as structural, functional, and spatial information, amino acid conservation, physicochemical variation, residue mobility, and thermodynamic stability) indicates that this missense variant is not expected to disrupt SCN10A protein function with a negative predictive value of 80%. In summary, the available evidence is currently insufficient to determine the role of this variant in disease. Therefore, it has been classified as a Variant of Uncertain Significance.

Ambry Genetics
Classification: Uncertain significance for Cardiovascular phenotype. Last evaluated: 2024-08-12. Review status: criteria provided, single submitter. Criteria: Ambry Variant Classification Scheme 2023. Collection method: clinical testing. Allele origin: germline.
Comment: The p.I1593F variant (also known as c.4777A>T), located in coding exon 27 of the SCN10A gene, results from an A to T substitution at nucleotide position 4777. The isoleucine at codon 1593 is replaced by phenylalanine, an amino acid with highly similar properties. This amino acid position is highly conserved in available vertebrate species. In addition, this alteration is predicted to be deleterious by in silico analysis. The evidence for this gene-disease relationship is limited; therefore, the clinical significance of this alteration is unclear.

MGZ Medical Genetics Center
Classification: Uncertain significance for Brugada syndrome 1. Last evaluated: 2022-01-18. Review status: criteria provided, single submitter. Criteria: ACMG Guidelines, 2015. Collection method: clinical testing. Allele origin: germline. Affected: yes. Observed: 1 variant allele.
Comment: ACMG criteria applied: PM2_SUP, PP3